The following is an entry in ClinVar:

ClinVar aggregate classification (germline): Likely benign. Review status: criteria provided, multiple submitters, no conflicts (2 of 4 stars). 3 submissions from 3 submitters: Likely benign (3). Last evaluated 2026-09-01.

Allele frequency attached by ClinVar (database versions not stated): 1000 Genomes Project 0.00280; 1000 Genomes Project 30x 0.00281; TOPMed 0.00440; ESP Exome Variant Server 0.00469; gnomAD 0.00473 and 0.00483; gnomAD exomes 0.00501 and 0.00531; ExAC 0.00529.
gnomAD v4.1: 8,044 of 1,613,786 alleles (0.5%); highest among the groups gnomAD compares: Middle Eastern, 0.63%; 30 homozygotes.

Submissions (3):

CeGaT Center for Human Genetics Tuebingen
Classification: Likely benign. Last evaluated: 2026-09-01. Review status: criteria provided, single submitter. Criteria: CeGaT Center For Human Genetics Tuebingen Variant Classification Criteria Version 2. Collection method: clinical testing. Allele origin: germline. Affected: yes. Observed: 39 variant alleles.
Comment: KIF14: BP4, BS2

Labcorp Genetics (formerly Invitae), Labcorp
Classification: Likely benign. Last evaluated: 2026-02-04. Review status: criteria provided, single submitter. Criteria: Invitae Variant Classification Sherloc (09022015). Collection method: clinical testing. Allele origin: germline.

Breakthrough Genomics
Classification: Likely benign. Review status: criteria provided, single submitter. Criteria: ACMG Guidelines, 2015. Collection method: not provided. Allele origin: germline. Inheritance: Autosomal recessive inheritance. Affected: yes.

NM_014875.3(KIF14):c.4013A>T (p.Glu1338Val)

Gene: KIF14 (kinesin family member 14; minus strand). Cytogenetic location: 1q32.1.
Variant type: single nucleotide variant.
Coding change: c.4013A>T on transcript NM_014875.3 (MANE Select); coding-DNA position 4013, A replaced by T.
Protein change: p.Glu1338Val; replaces glutamic acid 1338 with valine.
Molecular consequence: missense variant.
Genome position (GRCh38, 1-based): chr1:200,565,127, T>A on the plus strand (A>T on the coding strand, the complement: KIF14 is on the minus strand). VCF-style: chr1-200565127-T-A. GRCh37 (hg19) VCF-style: chr1-200534255-T-A.
Other names: c.2540A>T, p.Glu847Val (NM_001305792.1); short protein forms E1338V, E847V.
Identifiers: ClinVar variation 710395 (VCV000710395.36), dbSNP rs77157287, ClinGen allele CA1317116.
Genomic context (GRCh38, chr1:200,565,127, plus strand): 5'-ACCTGCAAAAATAACTGTAAGTAGCCTCCCAGTTTTTTAACTTCTTGTCTCAACTCATCC[T>A]CAAGTCTTGCTATGTTGGTACAAGGCAGTAAATCACTCAGCCAGTGTTTCATTAGCACTA-3'
Protein context (NP_055690.1, residues 1328-1348): LLPCTNIARL[Glu1338Val]DELRQEVKKL